The following is an entry in ClinVar:

NM_152722.5(HEPACAM):c.1198G>A (p.Val400Met)

Gene: HEPACAM (hepatic and glial cell adhesion molecule; minus strand). Cytogenetic location: 11q24.2.
Variant type: single nucleotide variant.
Coding change: c.1198G>A on transcript NM_152722.5 (MANE Select); coding-DNA position 1198, G replaced by A.
Protein change: p.Val400Met; replaces valine 400 with methionine.
Molecular consequence: missense variant.
Genome position (GRCh38, 1-based): chr11:124,921,191, C>T on the plus strand (G>A on the coding strand, the complement: HEPACAM is on the minus strand). VCF-style: chr11-124921191-C-T. GRCh37 (hg19) VCF-style: chr11-124791087-C-T.
Other names: short protein forms V400M.
Identifiers: ClinVar variation 393149 (VCV000393149.58), dbSNP rs770477104, ClinGen allele CA6345541.

ClinVar aggregate classification (germline): Conflicting classifications of pathogenicity. Review status: criteria provided, conflicting classifications (1 of 4 stars). 9 submissions from 9 submitters: Uncertain significance (8); Likely benign (1). Last evaluated 2025-11-24.

Conditions:
Inborn genetic diseases. Identifiers: MedGen C0950123, MeSH D030342.
Megalencephalic leukoencephalopathy with subcortical cysts 2A. Identifiers: Orphanet 2478, MedGen C3151355, MONDO:0013490, OMIM 613925.
Megalencephalic leukoencephalopathy with subcortical cysts 2B, remitting, with or without impaired intellectual development. Also called: Megalencephalic leukoencephalopathy with subcortical cysts 2B, remitting, with or without intellectual disability. Identifiers: Orphanet 2478, MedGen C3151356, MONDO:0013491, OMIM 613926.
Megalencephalic leukoencephalopathy with subcortical cysts 1 (MLC1). Also called: LEUKOENCEPHALOPATHY WITH SWELLING AND CYSTS; VACUOLATING MEGALENCEPHALIC LEUKOENCEPHALOPATHY WITH SUBCORTICAL CYSTS. Identifiers: Orphanet 2478, MedGen C5779875, MONDO:0024555, OMIM 604004.
Intellectual disability. Also called: intellectual disabilities; Intellectual functioning disability; Intellectual developmental disorder. Identifiers: MedGen C3714756, MeSH D008607, MONDO:0001071, HP:0001249.

Allele frequency attached by ClinVar (database versions not stated): gnomAD 0.00024 and 0.00021; TOPMed 0.00020; gnomAD exomes 0.00025 and 0.00019; ExAC below 0.00001.
gnomAD v4.1: 375 of 1,519,936 alleles (0.025%); highest among the groups gnomAD compares: Middle Eastern, 0.092%; no homozygotes.

Submissions (9):

Labcorp Genetics (formerly Invitae), Labcorp
Classification: Likely benign. Last evaluated: 2025-11-24. Review status: criteria provided, single submitter. Criteria: Invitae Variant Classification Sherloc (09022015). Collection method: clinical testing. Allele origin: germline.

Blueprint Genetics
Classification: Uncertain significance. Last evaluated: 2024-09-02. Review status: criteria provided, single submitter. Criteria: ACMG Guidelines, 2015. Collection method: clinical testing. Allele origin: germline.

Ambry Genetics
Classification: Uncertain significance for Inborn genetic diseases. Last evaluated: 2023-08-24. Review status: criteria provided, single submitter. Criteria: Ambry Variant Classification Scheme 2023. Collection method: clinical testing. Allele origin: germline.

Fulgent Genetics
Classification: Uncertain significance for Megalencephalic leukoencephalopathy with subcortical cysts 1; Megalencephalic leukoencephalopathy with subcortical cysts 2A; Megalencephalic leukoencephalopathy with subcortical cysts 2B, remitting, with or without impaired intellectual development. Last evaluated: 2021-12-22. Review status: criteria provided, single submitter. Criteria: ACMG Guidelines, 2015. Collection method: clinical testing. Allele origin: unknown.

Cambridge Genomics Laboratory, East Genomic Laboratory Hub, NHS Genomic Medicine Service
Classification: Uncertain significance for Intellectual disability. Last evaluated: 2020-04-28. Review status: criteria provided, single submitter. Criteria: ACGS Best Practice Guidelines for Variant Classification in Rare Disease 2020. Collection method: clinical testing. Allele origin: germline. Affected: yes. Observed: 1 variant allele.

Centre for Mendelian Genomics, University Medical Centre Ljubljana
Classification: Uncertain significance for Megalencephalic leukoencephalopathy with subcortical cysts 2A. Last evaluated: 2019-08-12. Review status: criteria provided, single submitter. Criteria: ACMG Guidelines, 2015. Collection method: clinical testing. Allele origin: unknown. Affected: yes.
Comment: This variant was classified as: Uncertain significance. The available evidence on this variant's pathogenicity is insufficient or conflicting. The following ACMG criteria were applied in classifying this variant: PP3.

GeneDx
Classification: Uncertain significance. Last evaluated: 2018-10-02. Review status: criteria provided, single submitter. Criteria: GeneDx Variant Classification (06012015). Collection method: clinical testing. Allele origin: germline. Affected: yes.
Comment: The V400M variant in the HEPACAM gene has not been reported previously as a pathogenic variant, nor as a benign variant, to our knowledge. No data are available from ethnically-matched control populations to assess the frequency of this variant. The V400M variant is a conservative amino acid substitution, which occurs at a position that is conserved across species. In silico analysis is inconsistent in its predictions as to whether or not the variant is damaging to the protein structure/function. We interpret V400M as a variant of uncertain significance, which may be related to the reported intellectual disability and autism spectrum disorder in this individual.

CeGaT Center for Human Genetics Tuebingen
Classification: Uncertain significance. Last evaluated: 2017-02-01. Review status: criteria provided, single submitter. Criteria: CeGaT Center For Human Genetics Tuebingen Variant Classification Criteria Version 2. Collection method: clinical testing. Allele origin: germline. Affected: yes. Observed: 1 variant allele.

Breakthrough Genomics
Classification: Uncertain significance. Review status: criteria provided, single submitter. Criteria: ACMG Guidelines, 2015. Collection method: not provided. Allele origin: germline. Inheritance: Autosomal recessive inheritance. Affected: yes.